The following is an entry in ClinVar:

NM_014141.6(CNTNAP2):c.1458T>G (p.Ser486Arg)

Gene: CNTNAP2 (contactin associated protein 2; plus strand). Cytogenetic location: 7q35.
Variant type: single nucleotide variant.
Coding change: c.1458T>G on transcript NM_014141.6 (MANE Select); coding-DNA position 1458, T replaced by G.
Protein change: p.Ser486Arg; replaces serine 486 with arginine.
Molecular consequence: missense variant.
Genome position (GRCh38, 1-based): chr7:147,300,250, T>G. VCF-style: chr7-147300250-T-G. GRCh37 (hg19) VCF-style: chr7-146997342-T-G.
Other names: short protein forms S486R.
Identifiers: ClinVar variation 1773096 (VCV001773096.3), dbSNP rs756274887, ClinGen allele CA369925265.

ClinVar aggregate classification (germline): Uncertain significance. Review status: criteria provided, multiple submitters, no conflicts (2 of 4 stars). 2 submissions from 2 submitters: Uncertain significance (2). Last evaluated 2026-03-13.

Conditions:
Inborn genetic diseases. Identifiers: MedGen C0950123, MeSH D030342.

gnomAD v4.1: 6 of 1,613,888 alleles (0.00037%); highest among the groups gnomAD compares: Non-Finnish European, 0.00051%; no homozygotes.

Submissions (2):

GeneDx
Classification: Uncertain significance. Last evaluated: 2026-03-13. Review status: criteria provided, single submitter. Criteria: GeneDx Variant Classification Process June 2021. Collection method: clinical testing. Allele origin: germline.
Comment: Not observed at significant frequency in large population cohorts (gnomAD); In silico analysis suggests that this missense variant does not alter protein structure/function; Has not been previously published as pathogenic or benign to our knowledge

Ambry Genetics
Classification: Uncertain significance for Inborn genetic diseases. Last evaluated: 2017-09-14. Review status: criteria provided, single submitter. Criteria: Ambry Variant Classification Scheme 2023. Collection method: clinical testing. Allele origin: germline.
Comment: The p.S486R variant (also known as c.1458T>G), located in coding exon 9 of the CNTNAP2 gene, results from a T to G substitution at nucleotide position 1458. The serine at codon 486 is replaced by arginine, an amino acid with dissimilar properties. This amino acid position is well conserved in available vertebrate species. In addition, this alteration is predicted to be tolerated by in silico analysis. Since supporting evidence is limited at this time, the clinical significance of this alteration remains unclear.